The following is an entry in ClinVar:

NM_000051.4(ATM):c.6082C>G (p.Gln2028Glu)

Genes: ATM (ATM serine/threonine kinase; plus strand), C11orf65 (chromosome 11 open reading frame 65; minus strand). Cytogenetic location: 11q22.3.
Variant type: single nucleotide variant.
Coding change: c.6082C>G on transcript NM_000051.4 (MANE Select); coding-DNA position 6082, C replaced by G.
Protein change: p.Gln2028Glu; replaces glutamine 2028 with glutamic acid.
Molecular consequence: missense variant. On other transcripts: intron variant (2).
Genome position (GRCh38, 1-based): chr11:108,315,898, C>G. VCF-style: chr11-108315898-C-G. GRCh37 (hg19) VCF-style: chr11-108186625-C-G.
Other names: c.6082C>G, p.Gln2028Glu (NM_001351834.2); c.641-6827G>C (NM_001330368.2); c.*39-6827G>C (NM_001351110.2); short protein forms Q2028E.
Identifiers: ClinVar variation 653348 (VCV000653348.10), dbSNP rs876659454, ClinGen allele CA382550158.

ClinVar aggregate classification (germline): Uncertain significance. Review status: criteria provided, multiple submitters, no conflicts (2 of 4 stars). 2 submissions from 2 submitters: Uncertain significance (2). Last evaluated 2025-03-09.

Conditions:
Familial cancer of breast. Also called: Hereditary breast cancer; BREAST CANCER, FAMILIAL; hereditary breast carcinoma. Identifiers: Orphanet 227535, MedGen C0346153, MONDO:0016419, OMIM 114480. Disease mechanism: loss of function.
Ataxia-telangiectasia syndrome (AT). Also called: Ataxia-telangiectasia, complementation group D; AT, COMPLEMENTATION GROUP C; ATAXIA-TELANGIECTASIA, COMPLEMENTATION GROUP A; ATAXIA-TELANGIECTASIA, FRESNO VARIANT; Ataxia-telangiectasia; LOUIS-BAR SYNDROME. Identifiers: Orphanet 100, MedGen C0004135, MONDO:0008840, OMIM 208900.

Submissions (2):

Labcorp Genetics (formerly Invitae), Labcorp
Classification: Uncertain significance for Ataxia-telangiectasia syndrome. Last evaluated: 2025-03-09. Review status: criteria provided, single submitter. Criteria: Invitae Variant Classification Sherloc (09022015). Collection method: clinical testing. Allele origin: germline.
Comment: This sequence change replaces glutamine, which is neutral and polar, with glutamic acid, which is acidic and polar, at codon 2028 of the ATM protein (p.Gln2028Glu). This variant is not present in population databases (gnomAD no frequency). This variant has not been reported in the literature in individuals affected with ATM-related conditions. ClinVar contains an entry for this variant (Variation ID: 653348). Invitae Evidence Modeling of protein sequence and biophysical properties (such as structural, functional, and spatial information, amino acid conservation, physicochemical variation, residue mobility, and thermodynamic stability) indicates that this missense variant is not expected to disrupt ATM protein function with a negative predictive value of 95%. Algorithms developed to predict the effect of sequence changes on RNA splicing suggest that this variant may disrupt the consensus splice site. In summary, the available evidence is currently insufficient to determine the role of this variant in disease. Therefore, it has been classified as a Variant of Uncertain Significance.

Baylor Genetics
Classification: Uncertain significance for Familial cancer of breast. Last evaluated: 2023-12-28. Review status: criteria provided, single submitter. Criteria: ACMG Guidelines, 2015. Collection method: clinical testing. Allele origin: unknown.